The following is an entry in ClinVar:

ClinVar aggregate classification (germline): Uncertain significance (1 of 4 stars; one submission).

Submission:

Labcorp Genetics (formerly Invitae), Labcorp
Classification: Uncertain significance. Last evaluated: 2023-05-27. Review status: criteria provided, single submitter. Criteria: Invitae Variant Classification Sherloc (09022015). Collection method: clinical testing. Allele origin: germline.
Comment: This sequence change falls in intron 6 of the ZSWIM6 gene. It does not directly change the encoded amino acid sequence of the ZSWIM6 protein. It affects a nucleotide within the consensus splice site. This variant is not present in population databases (gnomAD no frequency). This variant has not been reported in the literature in individuals affected with ZSWIM6-related conditions. In summary, the available evidence is currently insufficient to determine the role of this variant in disease. Therefore, it has been classified as a Variant of Uncertain Significance. Variants that disrupt the consensus splice site are a relatively common cause of aberrant splicing (PMID: 17576681, 9536098). Algorithms developed to predict the effect of sequence changes on RNA splicing suggest that this variant is not likely to affect RNA splicing.

Literature cited by the submitters: PubMed 17576681; PubMed 9536098.

NM_020928.2(ZSWIM6):c.1690+4A>G

Gene: ZSWIM6 (zinc finger SWIM-type containing 6; plus strand). Cytogenetic location: 5q12.1.
Variant type: single nucleotide variant.
Coding change: c.1690+4A>G on transcript NM_020928.2 (MANE Select); 4 bases into the intron after coding-DNA position 1690, A replaced by G.
Molecular consequence: intron variant.
Genome position (GRCh38, 1-based): chr5:61,525,980, A>G. VCF-style: chr5-61525980-A-G. GRCh37 (hg19) VCF-style: chr5-60821807-A-G.
Identifiers: ClinVar variation 2892049 (VCV002892049.3), dbSNP rs2478348359, ClinGen allele CA2578318467.
Genomic context (GRCh38, chr5:61,525,980, plus strand): 5'-ACCATGACGACACTGAAAACTCCCTCTTCGACTCCCGCGGGTGGCCCCTCTGGCATGGTA[A>G]GTGACCAAACCGGAAAGACATTTCCATGACTTACTTCTTTGTTTAGTTTCTATAGCATTA-3'